The following is an entry in ClinVar:

NM_000834.5(GRIN2B):c.2039del (p.Pro680fs)

Gene: GRIN2B (glutamate ionotropic receptor NMDA type subunit 2B; minus strand). Cytogenetic location: 12p13.1.
Variant type: Deletion.
Coding change: c.2039del on transcript NM_000834.5 (MANE Select); coding-DNA position 2039, one base deleted (C; older notation c.2039delC).
Protein change: p.Pro680fs; shifts the reading frame from proline 680.
Molecular consequence: frameshift variant.
Genome position (GRCh38, 1-based): chr12:13,571,936, G deleted on the plus strand (C on the coding strand, the reverse complement: GRIN2B is on the minus strand); the first of 5 consecutive G bases (chr12:13,571,936-13,571,940); deleting any one gives the same sequence. VCF-style (leftmost placement, unchanged base first): chr12-13571935-AG-A. GRCh37 (hg19) VCF-style: chr12-13724869-AG-A.
Other names: short protein forms P680fs.
Identifiers: ClinVar variation 452935 (VCV000452935.2), dbSNP rs1555103995, ClinGen allele CA658658121.

ClinVar aggregate classification (germline): Pathogenic (1 of 4 stars; one submission).

Submission:

GeneDx
Classification: Pathogenic. Last evaluated: 2017-10-12. Review status: criteria provided, single submitter. Criteria: GeneDx Variant Classification (06012015). Collection method: clinical testing. Allele origin: germline. Affected: yes.
Comment: The c.2039delC variant in the GRIN2B gene has not been reported previously as a pathogenic variant nor as a benign variant, to our knowledge. The c.2039delC variant causes a frameshift starting with codon Proline 680, changes this amino acid to a Leucine residue, and creates a premature Stop codon at position 35 of the new reading frame, denoted p.Pro680LeufsX35. This variant is predicted to cause loss of normal protein function either through protein truncation or nonsense-mediated mRNA decay. The c.2039delC variant is not observed in large population cohorts (Lek et al., 2016). We interpret c.2039delC as a pathogenic variant.